The following is an entry in ClinVar:

ClinVar aggregate classification (germline): Uncertain significance. Review status: criteria provided, multiple submitters, no conflicts (2 of 4 stars). 2 submissions from 2 submitters: Uncertain significance (2). Last evaluated 2025-01-27.

gnomAD v4.1: 5 of 1,614,032 alleles (0.00031%); highest among the groups gnomAD compares: South Asian, 0.0055%; no homozygotes.

Submissions (2):

Labcorp Genetics (formerly Invitae), Labcorp
Classification: Uncertain significance. Last evaluated: 2025-01-27. Review status: criteria provided, single submitter. Criteria: Invitae Variant Classification Sherloc (09022015). Collection method: clinical testing. Allele origin: germline.
Comment: This sequence change replaces isoleucine, which is neutral and non-polar, with valine, which is neutral and non-polar, at codon 2167 of the CDH23 protein (p.Ile2167Val). This variant is present in population databases (no rsID available, gnomAD 0.003%). This variant has not been reported in the literature in individuals affected with CDH23-related conditions. ClinVar contains an entry for this variant (Variation ID: 2121780). An algorithm developed to predict the effect of missense changes on protein structure and function outputs the following: PolyPhen-2: "Not Available". The valine amino acid residue is found in multiple mammalian species, which suggests that this missense change does not adversely affect protein function. In summary, the available evidence is currently insufficient to determine the role of this variant in disease. Therefore, it has been classified as a Variant of Uncertain Significance.

Blueprint Genetics
Classification: Uncertain significance. Last evaluated: 2019-12-18. Review status: criteria provided, single submitter. Criteria: ACMG Guidelines, 2015. Collection method: clinical testing. Allele origin: germline.

NM_022124.6(CDH23):c.6499A>G (p.Ile2167Val)

Gene: CDH23 (cadherin related 23; plus strand). Cytogenetic location: 10q22.1.
Variant type: single nucleotide variant.
Coding change: c.6499A>G on transcript NM_022124.6 (MANE Select); coding-DNA position 6499, A replaced by G.
Protein change: p.Ile2167Val; replaces isoleucine 2167 with valine.
Molecular consequence: missense variant.
Genome position (GRCh38, 1-based): chr10:71,793,427, A>G. VCF-style: chr10-71793427-A-G. GRCh37 (hg19) VCF-style: chr10-73553184-A-G.
Other names: short protein forms I2167V.
Identifiers: ClinVar variation 2121780 (VCV002121780.5), dbSNP rs1267165396, ClinGen allele CA377155195.
Genomic context (GRCh38, chr10:71,793,427, plus strand): 5'-ACCGACCGGGGCACCGTTCCTCTCTCGGGCACAGCCATTGTCACCATTCTGATCGATGAC[A>G]TCAATGACTCCCGCCCCGAGTTCCTCAACCCCATCCAGACAGTGAGCGTGCTGGAGTCGG-3'
Protein context (NP_071407.4, residues 2157-2177): TAIVTILIDD[Ile2167Val]NDSRPEFLNP